The following is an entry in ClinVar:

ClinVar aggregate classification (germline): Pathogenic (1 of 4 stars; one submission).

Conditions:
Hypotonia, infantile, with psychomotor retardation and characteristic facies 3 (IHPRF3). Also called: TBCK-Related Neurodevelopmental Disorder. Identifiers: Orphanet 488632, MedGen C5567480, MONDO:0014823, OMIM 616900.

Submission:

3billion
Classification: Pathogenic for Hypotonia, infantile, with psychomotor retardation and characteristic facies 3. Last evaluated: 2025-11-06. Review status: criteria provided, single submitter. Criteria: ACMG Guidelines, 2015. Collection method: clinical testing. Allele origin: germline. Affected: yes.
Comment: The variant is not observed in the gnomAD v4.1.0 dataset. Predicted Consequence/Location: Canonical splice site: predicted to alter splicing and result in a loss or disruption of normal protein function. Multiple pathogenic loss-of-function variants are reported downstream of the variant. In silico tools predict the variant to alter splicing and produce an abnormal transcript [SpliceAI: 0.99 (spliceogenicity >=0.2, non-spliceogenicity <0.1)]. The variant has been reported to be associated with TBCK-related disorder (ClinVar ID: VCV004292464 /3billion dataset). Therefore, this variant is classified as Pathogenic according to the recommendation of ACMG/AMP guideline.

NM_001163435.3(TBCK):c.658+1_658+7del

Gene: TBCK (TBC1 domain containing kinase; minus strand). Cytogenetic location: 4q24.
Variant type: Deletion.
Coding change: c.658+1_658+7del on transcript NM_001163435.3 (MANE Select); the canonical splice donor site of the intron after coding-DNA position 658 through 7 bases into the intron after coding-DNA position 658, 7 bases deleted (GTAAGTG; older notation c.658+1_658+7delGTAAGTG).
Molecular consequence: splice donor variant.
Genome position (GRCh38, 1-based): chr4:106,250,411-106,250,417, CACTTAC deleted on the plus strand (GTAAGTG on the coding strand, the reverse complement: TBCK is on the minus strand); deleting any 7 consecutive bases within chr4:106,250,411-106,250,418 gives the same sequence; the c. name uses the placement nearest the transcript's 3' end. VCF-style (leftmost placement, unchanged base first): chr4-106250410-ACACTTAC-A. GRCh37 (hg19) VCF-style: chr4-107171567-ACACTTAC-A.
Other names: c.658+1_658+7del (NM_001163436.4); c.469+1_469+7del (NM_033115.5); c.541+1_541+7del (NM_001163437.3); c.142+1_142+7del (NM_001290768.2).
Identifiers: ClinVar variation 4292464 (VCV004292464.2).
Genomic context (GRCh38, chr4:106,250,410, plus strand): 5'-CAATGTGCATGATTACTAATAGTAAGTTATATTTATATTTGAAAGATAAGCAATTGTACG[ACACTTAC>A]CCAAAGTAAGCAAAAATTTTAGTCTTTCAGAAATATCCAAGCTCTGAAATAATTTTCTTC-3'